The following is an entry in ClinVar:

ClinVar aggregate classification (germline): Uncertain significance (1 of 4 stars; one submission).

Conditions:
X-linked lymphoproliferative disease due to SH2D1A deficiency (XLP1). Also called: DUNCAN DISEASE; IMMUNODEFICIENCY 5; IMMUNODEFICIENCY, X-LINKED PROGRESSIVE COMBINED VARIABLE; INFECTIOUS MONONUCLEOSIS, SEVERE, SUSCEPTIBILITY TO; SH2D1A-Related Lymphoproliferative Disease, X-Linked; EBV infection severe susceptibility to. Identifiers: Orphanet 2442, Orphanet 538931, MedGen C5399825, MONDO:0024551, OMIM 308240.

Submission:

Labcorp Genetics (formerly Invitae), Labcorp
Classification: Uncertain significance for X-linked lymphoproliferative disease due to SH2D1A deficiency. Last evaluated: 2019-06-12. Review status: criteria provided, single submitter. Criteria: Invitae Variant Classification Sherloc (09022015). Collection method: clinical testing. Allele origin: germline.
Comment: In summary, the available evidence is currently insufficient to determine the role of this variant in disease. Therefore, it has been classified as a Variant of Uncertain Significance. Algorithms developed to predict the effect of missense changes on protein structure and function (SIFT, PolyPhen-2, Align-GVGD) all suggest that this variant is likely to be disruptive, but these predictions have not been confirmed by published functional studies and their clinical significance is uncertain. This variant has been observed in individuals affected with X-linked lymphoproliferative disease (PMID: 24723092, 20660790). This variant is not present in population databases (ExAC no frequency). This sequence change replaces cysteine with tyrosine at codon 44 of the SH2D1A protein (p.Cys44Tyr). The cysteine residue is highly conserved and there is a large physicochemical difference between cysteine and tyrosine.

Literature cited by the submitters: PubMed 24723092; PubMed 20660790.

NM_002351.5(SH2D1A):c.131G>A (p.Cys44Tyr)

Gene: SH2D1A (SH2 domain containing 1A; plus strand). Cytogenetic location: Xq25.
Variant type: single nucleotide variant.
Coding change: c.131G>A on transcript NM_002351.5 (MANE Select); coding-DNA position 131, G replaced by A.
Protein change: p.Cys44Tyr; replaces cysteine 44 with tyrosine.
Molecular consequence: missense variant.
Genome position (GRCh38, 1-based): chrX:124,346,773, G>A. VCF-style: chrX-124346773-G-A. GRCh37 (hg19) VCF-style: chrX-123480623-G-A.
Other names: c.131G>A, p.Cys44Tyr (NM_001114937.3); short protein forms C44Y.
Identifiers: ClinVar variation 944992 (VCV000944992.9), dbSNP rs2059993925, ClinGen allele CA414122452.